The following is an entry in ClinVar:

NM_000059.4(BRCA2):c.1905_1909del (p.Asp635fs)

Gene: BRCA2 (BRCA2 DNA repair associated; plus strand). Cytogenetic location: 13q13.1.
Variant type: Deletion.
Coding change: c.1905_1909del on transcript NM_000059.4 (MANE Select); coding-DNA positions 1905 to 1909, 5 bases deleted (TTCAG; older notation c.1905_1909delTTCAG).
Protein change: p.Asp635fs; shifts the reading frame from aspartic acid 635.
Molecular consequence: frameshift variant.
Genome position (GRCh38, 1-based): chr13:32,333,383-32,333,387, TTCAG deleted. VCF-style (leftmost placement, unchanged base first): chr13-32333382-ATTCAG-A. GRCh37 (hg19) VCF-style: chr13-32907519-ATTCAG-A.
Other names: c.1905_1909delTTCAG (NM_000059.3).
Identifiers: ClinVar variation 440428 (VCV000440428.4), dbSNP rs1555282156, ClinGen allele CA645509339.

ClinVar aggregate classification (germline): Pathogenic. Review status: reviewed by expert panel (3 of 4 stars). 2 submissions from 2 submitters: Pathogenic (1). 1 of the submissions does not count toward it. Last evaluated 2017-12-15.

Conditions:
Breast-ovarian cancer, familial, susceptibility to, 2 (BROVCA2). Also called: BRCA2 Hereditary Breast and Ovarian Cancer. Identifiers: Orphanet 145, MedGen C2675520, MONDO:0012933, OMIM 612555. Disease mechanism: loss of function.

Submissions (2):

Evidence-based Network for the Interpretation of Germline Mutant Alleles (ENIGMA)
Classification: Pathogenic for Breast-ovarian cancer, familial, susceptibility to, 2. Last evaluated: 2017-12-15. Review status: reviewed by expert panel. Criteria: ENIGMA BRCA1/2 Classification Criteria (2017-06-29). Collection method: curation. Allele origin: germline. Study: ENIGMA.
Comment: Variant allele predicted to encode a truncated non-functional protein.

Department of Medical Genetics, Oslo University Hospital
Classification: Pathogenic for Breast-ovarian cancer, familial, susceptibility to, 2. Last evaluated: 2015-07-01. Review status: criteria provided, single submitter. Criteria: ACMG Guidelines, 2015. Collection method: clinical testing. Allele origin: germline. Affected: yes. Observed: 22 variant alleles. Not counted in ClinVar's aggregate classification.